The following is an entry in ClinVar:

ClinVar aggregate classification (germline): Uncertain significance (1 of 4 stars; one submission).

Conditions:
Juvenile polyposis syndrome (JPS). Identifiers: Orphanet 2929, MedGen C0345893, MONDO:0017380, OMIM 174900.

Submission:

Labcorp Genetics (formerly Invitae), Labcorp
Classification: Uncertain significance for Juvenile polyposis syndrome. Last evaluated: 2022-03-01. Review status: criteria provided, single submitter. Criteria: Invitae Variant Classification Sherloc (09022015). Collection method: clinical testing. Allele origin: germline.
Comment: This sequence change falls in intron 10 of the SMAD4 gene. It does not directly change the encoded amino acid sequence of the SMAD4 protein. This variant is not present in population databases (gnomAD no frequency). In summary, the available evidence is currently insufficient to determine the role of this variant in disease. Therefore, it has been classified as a Variant of Uncertain Significance. Algorithms developed to predict the effect of sequence changes on RNA splicing suggest that this variant may create or strengthen a splice site. This variant has not been reported in the literature in individuals affected with SMAD4-related conditions.

NM_005359.6(SMAD4):c.1309-17A>G

Gene: SMAD4 (SMAD family member 4; plus strand). Cytogenetic location: 18q21.2.
Variant type: single nucleotide variant.
Coding change: c.1309-17A>G on transcript NM_005359.6 (MANE Select); 17 bases into the intron before coding-DNA position 1309, A replaced by G.
Molecular consequence: intron variant.
Genome position (GRCh38, 1-based): chr18:51,076,621, A>G. VCF-style: chr18-51076621-A-G. GRCh37 (hg19) VCF-style: chr18-48602991-A-G.
Identifiers: ClinVar variation 2158800 (VCV002158800.4), dbSNP rs2511389539, ClinGen allele CA657292960.
Genomic context (GRCh38, chr18:51,076,621, plus strand): 5'-AATAAGTCAGGCATTGGTTTTTAATGTATGGAATTTTTCTTTATGAACTCATAGTATGAA[A>G]TGTTTTTTCTTAAAAGGTCTTTGATTTGCGTCAGTGTCATCGACAGATGCAGCAGCAGGC-3'